The following is an entry in ClinVar:

NM_000338.3(SLC12A1):c.1679T>C (p.Leu560Pro)

Gene: SLC12A1 (solute carrier family 12 member 1; plus strand). Cytogenetic location: 15q21.1.
Variant type: single nucleotide variant.
Coding change: c.1679T>C on transcript NM_000338.3 (MANE Select); coding-DNA position 1679, T replaced by C.
Protein change: p.Leu560Pro; replaces leucine 560 with proline.
Molecular consequence: missense variant.
Genome position (GRCh38, 1-based): chr15:48,247,455, T>C. VCF-style: chr15-48247455-T-C. GRCh37 (hg19) VCF-style: chr15-48539652-T-C.
Other names: c.1679T>C, p.Leu560Pro (NM_001184832.2, NM_001384136.1); short protein forms L560P.
Identifiers: ClinVar variation 1320252 (VCV001320252.1), dbSNP rs1370120380, ClinGen allele CA392312677.

ClinVar aggregate classification (germline): Likely pathogenic (1 of 4 stars; one submission).

Conditions:
Bartter disease type 1. Also called: Bartter syndrome, type 1, antenatal; HYPOKALEMIC ALKALOSIS WITH HYPERCALCIURIA 1, ANTENATAL; Bartter Syndrome type 1; HYPERPROSTAGLANDIN E SYNDROME 1. Identifiers: Orphanet 112, Orphanet 620217, MedGen C1866495, MONDO:0100344, OMIM 601678, MONDO:0011127.

Allele frequency attached by ClinVar (database versions not stated): gnomAD exomes below 0.00001.
gnomAD v4.1: 1 of 1,602,488 alleles (0.000062%); highest among the groups gnomAD compares: East Asian, 0.0022%; no homozygotes.

Submission:

3billion
Classification: Likely pathogenic for Bartter disease type 1. Last evaluated: 2021-10-02. Review status: criteria provided, single submitter. Criteria: ACMG Guidelines, 2015. Collection method: clinical testing. Allele origin: paternal. Affected: yes. Observed: 1 heterozygote.
Comment: It is not observed in the gnomAD v2.1.1 dataset (PM2). The variant was observed in trans with a pathogenic variant [NM_001184832.1:c.382C>T (p.Arg128Ter)] as compound heterozygous (PM3). In silico tool predictions suggest damaging effect of the variant on gene or gene product (REVEL: 0.968, PP3). Patient's phenotype is considered compatible with Bartter syndrome, Type 1 (3billion dataset, PP4). Therefore, this variant is classified as likely pathogenic according to the recommendation of ACMG/AMP guideline